The following is an entry in ClinVar:

ClinVar aggregate classification (germline): Pathogenic. Review status: criteria provided, multiple submitters, no conflicts (2 of 4 stars). 2 submissions from 2 submitters: Pathogenic (2). Last evaluated 2024-07-11.

Conditions:
Hereditary cancer-predisposing syndrome. Also called: Hereditary Cancer Syndrome; Tumor predisposition; Neoplastic Syndromes, Hereditary; Hereditary neoplastic syndrome. Identifiers: Orphanet 140162, MedGen C0027672, MeSH D009386, MONDO:0015356.
Cardiovascular phenotype. Identifiers: MedGen CN230736.
Neurofibromatosis, type 1 (NF1). Also called: VON RECKLINGHAUSEN DISEASE; Neurofibromatosis, type I; NEUROFIBROMATOSIS, TYPE I, SOMATIC; Peripheral type neurofibromatosis. Identifiers: Orphanet 636, MedGen C0027831, MONDO:0018975, OMIM 162200. Disease mechanism: loss of function.

Allele frequency attached by ClinVar (database versions not stated): gnomAD exomes below 0.00001.

Submissions (2):

Labcorp Genetics (formerly Invitae), Labcorp
Classification: Pathogenic for Neurofibromatosis, type 1. Last evaluated: 2024-07-11. Review status: criteria provided, single submitter. Criteria: Invitae Variant Classification Sherloc (09022015). Collection method: clinical testing. Allele origin: germline.
Comment: This sequence change creates a premature translational stop signal (p.Arg1488Valfs*65) in the NF1 gene. It is expected to result in an absent or disrupted protein product. Loss-of-function variants in NF1 are known to be pathogenic (PMID: 10712197, 23913538). This variant is not present in population databases (gnomAD no frequency). This variant has not been reported in the literature in individuals affected with NF1-related conditions. For these reasons, this variant has been classified as Pathogenic.

Ambry Genetics
Classification: Pathogenic for Cardiovascular phenotype; Hereditary cancer-predisposing syndrome. Last evaluated: 2022-11-21. Review status: criteria provided, single submitter. Criteria: Ambry Variant Classification Scheme 2023. Collection method: clinical testing. Allele origin: germline.
Comment: The c.4462delC variant, located in coding exon 33 of the NF1 gene, results from a deletion of one nucleotide at nucleotide position 4462, causing a translational frameshift with a predicted alternate stop codon (p.R1488Vfs*65). This variant is considered to be rare based on population cohorts in the Genome Aggregation Database (gnomAD). This alteration is expected to result in loss of function by premature protein truncation or nonsense-mediated mRNA decay. As such, this alteration is interpreted as a disease-causing mutation.

Literature cited by the submitters: PubMed 10712197 (cited by Labcorp Genetics (formerly Invitae), Labcorp); PubMed 23913538 (cited by Labcorp Genetics (formerly Invitae), Labcorp).

NM_001042492.3(NF1):c.4525del (p.Arg1509fs)

Gene: NF1 (neurofibromin 1; plus strand). Cytogenetic location: 17q11.2.
Variant type: Deletion.
Coding change: c.4525del on transcript NM_001042492.3 (MANE Select); coding-DNA position 4525, one base deleted (C; older notation c.4525delC).
Protein change: p.Arg1509fs; shifts the reading frame from arginine 1509.
Molecular consequence: frameshift variant.
Genome position (GRCh38, 1-based): chr17:31,260,463, C deleted. VCF-style (leftmost placement, unchanged base first): chr17-31260462-TC-T. GRCh37 (hg19) VCF-style: chr17-29587480-TC-T.
Other names: c.4462delC (NM_000267.3); c.4462delC, p.Arg1488Valfs (NM_000267.4); short protein forms R1488fs, R1509fs.
Identifiers: ClinVar variation 3237784 (VCV003237784.3), dbSNP rs2508421622.